The following is an entry in ClinVar:

NM_014252.4(SLC25A15):c.388G>A (p.Val130Met)

Gene: SLC25A15 (solute carrier family 25 member 15; plus strand). Cytogenetic location: 13q14.11.
Variant type: single nucleotide variant.
Coding change: c.388G>A on transcript NM_014252.4 (MANE Select); coding-DNA position 388, G replaced by A.
Protein change: p.Val130Met; replaces valine 130 with methionine.
Molecular consequence: missense variant.
Genome position (GRCh38, 1-based): chr13:40,805,191, G>A. VCF-style: chr13-40805191-G-A. GRCh37 (hg19) VCF-style: chr13-41379327-G-A.
Other names: short protein forms V130M.
Identifiers: ClinVar variation 619129 (VCV000619129.16), dbSNP rs553432772, ClinGen allele CA6959712.

ClinVar aggregate classification (germline): Conflicting classifications of pathogenicity. Review status: criteria provided, conflicting classifications (1 of 4 stars). 4 submissions from 4 submitters: Uncertain significance (2); Likely benign (1). 1 of the submissions does not count toward it. Last evaluated 2025-12-18.

Conditions:
Hyperornithinemia-hyperammonemia-homocitrullinuria syndrome (HHHS). Also called: Ornithine translocase deficiency; HHH SYNDROME. Identifiers: Orphanet 415, MedGen C0268540, MONDO:0009393, OMIM 238970.
Intellectual disability. Also called: intellectual disabilities; Intellectual developmental disorder; Intellectual functioning disability. Identifiers: MedGen C3714756, MeSH D008607, MONDO:0001071, HP:0001249.
Abnormal facial shape. Also called: Dysmorphic facies; Dysmorphic facial features. Identifiers: MedGen C0424503, HP:0001999.

Allele frequency attached by ClinVar (database versions not stated): gnomAD 0.00005 and 0.00013; TOPMed 0.00006; gnomAD exomes 0.00037; ExAC 0.00043; 1000 Genomes Project 30x 0.00062; 1000 Genomes Project 0.00080.
gnomAD v4.1: 312 of 1,614,192 alleles (0.019%); highest among the groups gnomAD compares: South Asian, 0.29%; no homozygotes.

Submissions (4):

Labcorp Genetics (formerly Invitae), Labcorp
Classification: Likely benign for Hyperornithinemia-hyperammonemia-homocitrullinuria syndrome. Last evaluated: 2025-12-18. Review status: criteria provided, single submitter. Criteria: Invitae Variant Classification Sherloc (09022015). Collection method: clinical testing. Allele origin: germline.

Blueprint Genetics
Classification: Uncertain significance. Last evaluated: 2024-10-25. Review status: criteria provided, single submitter. Criteria: ACMG Guidelines, 2015. Collection method: clinical testing. Allele origin: germline.

Diagnostics Division, CENTRE FOR DNA FINGERPRINTING AND DIAGNOSTICS
Classification: Uncertain significance for Intellectual disability; Abnormal facial shape. Review status: criteria provided, single submitter. Criteria: ACMG Guidelines, 2015. Collection method: research. Allele origin: germline. Affected: yes. Observed: 1 homozygote.
Comment: Missense variant

Natera, Inc.
Classification: Uncertain significance for Hyperornithinemia-hyperammonemia-homocitrullinuria syndrome. Last evaluated: 2020-04-16. Review status: no assertion criteria provided. Collection method: clinical testing. Allele origin: germline. Not counted in ClinVar's aggregate classification.